The following is an entry in ClinVar:

ClinVar aggregate classification (germline): Uncertain significance (1 of 4 stars; one submission).

Conditions:
Amyotrophic lateral sclerosis type 21. Also called: MYOPATHY, DISTAL, 2; VOCAL CORD AND PHARYNGEAL DYSFUNCTION WITH DISTAL MYOPATHY. Identifiers: Orphanet 600, Orphanet 803, MedGen C3807521, MONDO:0011632, OMIM 606070.

Allele frequency attached by ClinVar (database versions not stated): gnomAD exomes below 0.00001.
gnomAD v4.1: 2 of 1,614,100 alleles (0.00012%); highest among the groups gnomAD compares: Admixed American, 0.0017%; no homozygotes.

Submission:

Labcorp Genetics (formerly Invitae), Labcorp
Classification: Uncertain significance for Amyotrophic lateral sclerosis type 21. Last evaluated: 2023-07-25. Review status: criteria provided, single submitter. Criteria: Invitae Variant Classification Sherloc (09022015). Collection method: clinical testing. Allele origin: germline.
Comment: In summary, the available evidence is currently insufficient to determine the role of this variant in disease. Therefore, it has been classified as a Variant of Uncertain Significance. Advanced modeling of protein sequence and biophysical properties (such as structural, functional, and spatial information, amino acid conservation, physicochemical variation, residue mobility, and thermodynamic stability) performed at Invitae indicates that this missense variant is not expected to disrupt MATR3 protein function. This variant has not been reported in the literature in individuals affected with MATR3-related conditions. This variant is present in population databases (no rsID available, gnomAD 0.003%). This sequence change replaces proline, which is neutral and non-polar, with serine, which is neutral and polar, at codon 605 of the MATR3 protein (p.Pro605Ser).

NM_018834.6(MATR3):c.1813C>T (p.Pro605Ser)

Genes: MATR3 (matrin 3; plus strand), LOC126807526 (CDK7 strongly-dependent group 2 enhancer GRCh37_chr5:138657767-138658966; plus strand). Cytogenetic location: 5q31.2.
Variant type: single nucleotide variant.
Coding change: c.1813C>T on transcript NM_018834.6 (MANE Select); coding-DNA position 1813, C replaced by T.
Protein change: p.Pro605Ser; replaces proline 605 with serine.
Molecular consequence: missense variant.
Genome position (GRCh38, 1-based): chr5:139,322,632, C>T. VCF-style: chr5-139322632-C-T. GRCh37 (hg19) VCF-style: chr5-138658321-C-T.
Other names: c.1813C>T, p.Pro605Ser (NM_001194954.2, NM_001194955.2, NM_001400441.1 and 16 more transcripts); c.949C>T, p.Pro317Ser (NM_001194956.2); c.799C>T, p.Pro267Ser (NM_001282278.2, NM_001400460.1, NM_001400462.1 and 5 more transcripts); c.952C>T, p.Pro318Ser (NM_001400459.1); c.913C>T, p.Pro305Ser (NM_001400461.1); short protein forms P305S, P318S, P317S, P605S, P267S.
Identifiers: ClinVar variation 2744666 (VCV002744666.3), dbSNP rs1480061565, ClinGen allele CA361143586.